The following is an entry in ClinVar:

ClinVar aggregate classification (germline): Uncertain significance (1 of 4 stars; one submission).

Submission:

Women's Health and Genetics/Laboratory Corporation of America, LabCorp
Classification: Uncertain significance. Last evaluated: 2024-01-30. Review status: criteria provided, single submitter. Criteria: LabCorp Variant Classification Summary - May 2015. Collection method: clinical testing. Allele origin: germline.
Comment: Variant summary: SCN9A c.1415G>T (p.Ser472Ile) results in a non-conservative amino acid change in the encoded protein sequence. Five of five in-silico tools predict a damaging effect of the variant on protein function. The variant was absent in 246206 control chromosomes. The available data on variant occurrences in the general population are insufficient to allow any conclusion about variant significance. To our knowledge, no occurrence of c.1415G>T in individuals affected with Channelopathy-Associated Congenital Insensitivity To Pain, Autosomal Recessive and no experimental evidence demonstrating its impact on protein function have been reported. No submitters have cited clinical-significance assessments for this variant to ClinVar. Based on the evidence outlined above, the variant was classified as uncertain significance.

NM_001365536.1(SCN9A):c.1415G>T (p.Ser472Ile)

Genes: SCN1A-AS1 (SCN1A and SCN9A antisense RNA 1; plus strand), SCN9A (sodium voltage-gated channel alpha subunit 9; minus strand). Cytogenetic location: 2q24.3.
Variant type: single nucleotide variant.
Coding change: c.1415G>T on transcript NM_001365536.1 (MANE Select); coding-DNA position 1415, G replaced by T.
Protein change: p.Ser472Ile; replaces serine 472 with isoleucine.
Molecular consequence: missense variant.
Genome position (GRCh38, 1-based): chr2:166,286,523, C>A on the plus strand (G>T on the coding strand, the complement: SCN9A is on the minus strand). VCF-style: chr2-166286523-C-A. GRCh37 (hg19) VCF-style: chr2-167143033-C-A.
Other names: c.1415G>T, p.Ser472Ile (NM_002977.4); short protein forms S472I.
Identifiers: ClinVar variation 3063713 (VCV003063713.1), dbSNP rs2106487578, ClinGen allele CA349084796.
Genomic context (GRCh38, chr2:166,286,523, plus strand): 5'-TCTCCACTGGAGAGCTTCTTTTGATTCTTTTTCTTTCTTCTGTTTCTTCTTTCTTTAGCA[C>A]TTTTAGAGCTCAGTTTGGATGTTTCAGAAGAACTCTCTGAGAGGCCCATAATTCTGCTTC-3'
Protein context (NP_001352465.1, residues 462-482): SSETSKLSSK[Ser472Ile]AKERRNRRKK